The following is an entry in ClinVar:

ClinVar aggregate classification (germline): Uncertain significance (1 of 4 stars; one submission).

gnomAD v4.1: 38 of 1,613,952 alleles (0.0024%); highest among the groups gnomAD compares: Non-Finnish European, 0.0031%; no homozygotes.

Submission:

Labcorp Genetics (formerly Invitae), Labcorp
Classification: Uncertain significance. Last evaluated: 2025-08-18. Review status: criteria provided, single submitter. Criteria: Invitae Variant Classification Sherloc (09022015). Collection method: clinical testing. Allele origin: germline.
Comment: This sequence change replaces alanine, which is neutral and non-polar, with serine, which is neutral and polar, at codon 48 of the CLTC protein (p.Ala48Ser). This variant is present in population databases (rs764106909, gnomAD 0.0009%). This variant has not been reported in the literature in individuals affected with CLTC-related conditions. ClinVar contains an entry for this variant (Variation ID: 3686188). Invitae Evidence Modeling of protein sequence and biophysical properties (such as structural, functional, and spatial information, amino acid conservation, physicochemical variation, residue mobility, and thermodynamic stability) indicates that this missense variant is not expected to disrupt CLTC protein function with a negative predictive value of 80%. In summary, the available evidence is currently insufficient to determine the role of this variant in disease. Therefore, it has been classified as a Variant of Uncertain Significance.

NM_004859.4(CLTC):c.142G>T (p.Ala48Ser)

Gene: CLTC (clathrin heavy chain; plus strand). Cytogenetic location: 17q23.1.
Variant type: single nucleotide variant.
Coding change: c.142G>T on transcript NM_004859.4 (MANE Select); coding-DNA position 142, G replaced by T.
Protein change: p.Ala48Ser; replaces alanine 48 with serine.
Molecular consequence: missense variant.
Genome position (GRCh38, 1-based): chr17:59,644,375, G>T. VCF-style: chr17-59644375-G-T. GRCh37 (hg19) VCF-style: chr17-57721736-G-T.
Other names: c.142G>T, p.Ala48Ser (NM_001288653.2); short protein forms A48S.
Identifiers: ClinVar variation 3686188 (VCV003686188.2).
Genomic context (GRCh38, chr17:59,644,375, plus strand): 5'-AGTACCCTGACTATGGAGTCTGACAAATTCATCTGCATTAGAGAAAAAGTAGGAGAGCAG[G>T]CCCAGGTGGTAATCATTGATATGAATGACCCAAGTAATCCAATTCGAAGACCAATTTCAG-3'
Protein context (NP_004850.1, residues 38-58): ICIREKVGEQ[Ala48Ser]QVVIIDMNDP